The following is an entry in ClinVar:

ClinVar aggregate classification (germline): Uncertain significance (1 of 4 stars; one submission).

Conditions:
Spastic paraplegia. Identifiers: MedGen C0037772, HP:0001258.

Allele frequency attached by ClinVar (database versions not stated): gnomAD 0.00001; TOPMed 0.00001.
gnomAD v4.1: 3 of 1,614,048 alleles (0.00019%); highest among the groups gnomAD compares: Non-Finnish European, 0.00025%; no homozygotes.

Submission:

Labcorp Genetics (formerly Invitae), Labcorp
Classification: Uncertain significance for Spastic paraplegia. Last evaluated: 2023-10-27. Review status: criteria provided, single submitter. Criteria: Invitae Variant Classification Sherloc (09022015). Collection method: clinical testing. Allele origin: germline.
Comment: This sequence change replaces aspartic acid, which is acidic and polar, with alanine, which is neutral and non-polar, at codon 216 of the ZFYVE26 protein (p.Asp216Ala). This variant is not present in population databases (gnomAD no frequency). This variant has not been reported in the literature in individuals affected with ZFYVE26-related conditions. An algorithm developed to predict the effect of missense changes on protein structure and function (PolyPhen-2) suggests that this variant is likely to be disruptive. In summary, the available evidence is currently insufficient to determine the role of this variant in disease. Therefore, it has been classified as a Variant of Uncertain Significance.

NM_015346.4(ZFYVE26):c.647A>C (p.Asp216Ala)

Gene: ZFYVE26 (zinc finger FYVE-type containing 26; minus strand). Cytogenetic location: 14q24.1.
Variant type: single nucleotide variant.
Coding change: c.647A>C on transcript NM_015346.4 (MANE Select); coding-DNA position 647, A replaced by C.
Protein change: p.Asp216Ala; replaces aspartic acid 216 with alanine.
Molecular consequence: missense variant.
Genome position (GRCh38, 1-based): chr14:67,807,637, T>G on the plus strand (A>C on the coding strand, the complement: ZFYVE26 is on the minus strand). VCF-style: chr14-67807637-T-G. GRCh37 (hg19) VCF-style: chr14-68274354-T-G.
Other names: short protein forms D216A.
Identifiers: ClinVar variation 2966150 (VCV002966150.3), dbSNP rs550411243, ClinGen allele CA390161438.